The following is an entry in ClinVar:

ClinVar aggregate classification (germline): Benign/Likely benign. Review status: criteria provided, multiple submitters, no conflicts (2 of 4 stars). 6 submissions from 6 submitters: Benign (1); Likely benign (5). Last evaluated 2025-12-24.

Conditions:
Hereditary cancer-predisposing syndrome. Also called: Hereditary neoplastic syndrome; Tumor predisposition; Neoplastic Syndromes, Hereditary; Hereditary Cancer Syndrome. Identifiers: Orphanet 140162, MedGen C0027672, MeSH D009386, MONDO:0015356.
Familial thoracic aortic aneurysm and aortic dissection (TAAD). Also called: Thoracic aortic aneurysms and dissections. Identifiers: Orphanet 91387, MedGen C4707243, MONDO:0019625.
Juvenile polyposis syndrome (JPS). Identifiers: Orphanet 2929, MedGen C0345893, MONDO:0017380, OMIM 174900.
Juvenile polyposis/hereditary hemorrhagic telangiectasia syndrome (JPHT). Also called: Juvenile Polyposis Syndrome / Hereditary Hemorrhagic Telangiectasia (JPS/HHT); JP/HHT SYNDROME; JUVENILE POLYPOSIS WITH HEREDITARY HEMORRHAGIC TELANGIECTASIA; POLYPOSIS, GENERALIZED JUVENILE, WITH PULMONARY ARTERIOVENOUS MALFORMATION; TELANGIECTASIA, HEREDITARY HEMORRHAGIC, WITH JUVENILE POLYPOSIS COLI. Identifiers: Orphanet 2929, MedGen C1832942, MONDO:0008278, OMIM 175050.

gnomAD v4.1: 2 of 1,613,538 alleles (0.00012%); highest among the groups gnomAD compares: Admixed American, 0.0033%; no homozygotes.

Submissions (6):

Labcorp Genetics (formerly Invitae), Labcorp
Classification: Likely benign for Juvenile polyposis syndrome. Last evaluated: 2025-12-24. Review status: criteria provided, single submitter. Criteria: Invitae Variant Classification Sherloc (09022015). Collection method: clinical testing. Allele origin: germline.

Myriad Genetics, Inc.
Classification: Benign for Juvenile polyposis/hereditary hemorrhagic telangiectasia syndrome. Last evaluated: 2025-03-18. Review status: criteria provided, single submitter. Criteria: Myriad Autosomal Dominant, Autosomal Recessive and X-Linked Classification Criteria (2023). Collection method: clinical testing. Allele origin: unknown.
Comment: This variant is considered benign. This variant is a silent/synonymous amino acid change and it is not expected to impact splicing.

Center for Genomic Medicine, Rigshospitalet, Copenhagen University Hospital
Classification: Likely benign. Last evaluated: 2025-03-04. Review status: criteria provided, single submitter. Criteria: ACMG Guidelines, 2015. Collection method: clinical testing. Allele origin: germline.

All of Us Research Program, National Institutes of Health
Classification: Likely benign for Juvenile polyposis/hereditary hemorrhagic telangiectasia syndrome. Last evaluated: 2023-10-02. Review status: criteria provided, single submitter. Criteria: ACMG Guidelines, 2015. Collection method: clinical testing. Allele origin: germline. Inheritance: Autosomal dominant inheritance. Observed: 1 variant allele, 1 heterozygote.
Comment: This study involves interpretation of variants in research participants for the purpose of population health screening. Participant phenotype was not available at the time of variant classification. Additional details can be found in publication PMID: 35346344, PMCID: PMC8962531

Color Diagnostics, LLC DBA Color Health
Classification: Likely benign for Hereditary cancer-predisposing syndrome. Last evaluated: 2018-10-19. Review status: criteria provided, single submitter. Criteria: ACMG Guidelines, 2015. Collection method: clinical testing. Allele origin: germline.

Ambry Genetics
Classification: Likely benign for Hereditary cancer-predisposing syndrome; Familial thoracic aortic aneurysm and aortic dissection. Last evaluated: 2016-09-16. Review status: criteria provided, single submitter. Criteria: Ambry Variant Classification Scheme 2023. Collection method: clinical testing. Allele origin: germline.

NM_005359.6(SMAD4):c.21G>T (p.Thr7=)

Gene: SMAD4 (SMAD family member 4; plus strand). Cytogenetic location: 18q21.2.
Variant type: single nucleotide variant.
Coding change: c.21G>T on transcript NM_005359.6 (MANE Select); coding-DNA position 21, G replaced by T.
Protein change: p.Thr7=; no amino-acid change (threonine 7 retained).
Molecular consequence: synonymous variant.
Genome position (GRCh38, 1-based): chr18:51,047,067, G>T. VCF-style: chr18-51047067-G-T. GRCh37 (hg19) VCF-style: chr18-48573437-G-T.
Identifiers: ClinVar variation 484810 (VCV000484810.24), dbSNP rs142292491, ClinGen allele CA503873381.